The following is an entry in ClinVar:

ClinVar aggregate classification (germline): Pathogenic (1 of 4 stars; one submission).

Conditions:
Von Hippel-Lindau syndrome (VHLS). Also called: von Hippel–Lindau syndrome; VHL syndrome; Von Hippel-Lindau. Identifiers: Orphanet 892, MedGen C0019562, MONDO:0008667, OMIM 193300. Disease mechanism: loss of function.
Chuvash polycythemia. Also called: POLYCYTHEMIA, VHL-DEPENDENT. Identifiers: Orphanet 238557, MedGen C1837915, MONDO:0009892, OMIM 263400.

Submission:

Labcorp Genetics (formerly Invitae), Labcorp
Classification: Pathogenic for Von Hippel-Lindau syndrome; Chuvash polycythemia. Last evaluated: 2023-10-08. Review status: criteria provided, single submitter. Criteria: Invitae Variant Classification Sherloc (09022015). Collection method: clinical testing. Allele origin: germline.
Comment: This sequence change creates a premature translational stop signal (p.Leu129Thrfs*28) in the VHL gene. It is expected to result in an absent or disrupted protein product. Loss-of-function variants in VHL are known to be pathogenic (PMID: 8956040, 12202531). This variant is not present in population databases (gnomAD no frequency). This variant has not been reported in the literature in individuals affected with VHL-related conditions. Algorithms developed to predict the effect of sequence changes on RNA splicing suggest that this variant may disrupt the consensus splice site. For these reasons, this variant has been classified as Pathogenic.

Literature cited by the submitters: PubMed 8956040; PubMed 12202531.

NM_000551.4(VHL):c.382_388del (p.Leu129fs)

Genes: VHL (von Hippel-Lindau tumor suppressor; plus strand), LOC107303340 (3p25 von Hippel-Lindau tumor suppressor, E3 ubiquitin protein ligase Alu-mediated recombination region; plus strand). Cytogenetic location: 3p25.3.
Variant type: Deletion.
Coding change: c.382_388del on transcript NM_000551.4 (MANE Select); coding-DNA positions 382 to 388, 7 bases deleted (CTTCTGG; older notation c.382_388delCTTCTGG).
Protein change: p.Leu129fs; shifts the reading frame from leucine 129.
Molecular consequence: frameshift variant. On other transcripts: non-coding transcript variant (1), intron variant (2).
Genome position (GRCh38, 1-based): chr3:10,146,555-10,146,561, CTTCTGG deleted; deleting any 7 consecutive bases within chr3:10,146,553-10,146,561 gives the same sequence; the c. name uses the placement nearest the transcript's 3' end. VCF-style (leftmost placement, unchanged base first): chr3-10146552-GGGCTTCT-G. GRCh37 (hg19) VCF-style: chr3-10188236-GGGCTTCT-G.
Other names: c.*18-3232_*18-3226del (NM_001354723.2); c.341-3232_341-3226del (NM_198156.3); short protein forms L129fs.
Identifiers: ClinVar variation 2949905 (VCV002949905.3), dbSNP rs2470165203, ClinGen allele CA2740090895.